The following is an entry in ClinVar:

ClinVar aggregate classification (germline): Pathogenic/Likely pathogenic. Review status: criteria provided, multiple submitters, no conflicts (2 of 4 stars). 26 submissions from 26 submitters: Pathogenic (18); Likely pathogenic (3). 5 of the submissions do not count toward it. Last evaluated 2026-04-15.

Conditions:
ENHANCED S-CONE SYNDROME 1 (ESCS1). Also called: RETINOSCHISIS WITH EARLY HEMERALOPIA; FAVRE HYALOIDEORETINAL DEGENERATION. Identifiers: MedGen CN380299, OMIM 268100.
NR2E3-related disorder. Also called: NR2E3-related condition; NR2E3-related disorders. Identifiers: MedGen CN239387.
Retinal dystrophy. Also called: Inherited retinal dystrophy. Identifiers: Orphanet 71862, MedGen C0854723, MeSH D058499, MONDO:0019118, HP:0000556.
Enhanced S-cone syndrome (ESCS). Identifiers: Orphanet 53540, MedGen C1849394, MONDO:0100288, MONDO:0009989.
Retinitis pigmentosa 37 (RP37). Identifiers: Orphanet 791, MedGen C1970163, MONDO:0012625, OMIM 611131.
Goldmann-Favre syndrome. Identifiers: Orphanet 53540, MedGen C0339541, MONDO:0100289.

Allele frequency attached by ClinVar (database versions not stated): 1000 Genomes Project 30x 0.00047; gnomAD exomes 0.00020; TOPMed 0.00024; ExAC 0.00045; gnomAD 0.00029 and 0.00031; 1000 Genomes Project 0.00040.
gnomAD v4.1: 497 of 1,604,280 alleles (0.031%); highest among the groups gnomAD compares: South Asian, 0.04%; 1 homozygote.

Submissions 1 to 16 of 26:

PreventionGenetics, part of Exact Sciences
Classification: Pathogenic for NR2E3-related condition. Last evaluated: 2026-04-15. Review status: criteria provided, single submitter. Criteria: ACMG Guidelines, 2015. Collection method: clinical testing. Allele origin: germline.
Comment: The NR2E3 c.227G>A variant is predicted to result in the amino acid substitution p.Arg76Gln. This variant has been reported in individuals with enhanced S-cone syndrome or autosomal recessive retinal disease (see for example Haider et al. 2000. PubMed ID: 10655056; Li et al. 2017. PubMed ID: 28418496; Table S1, Stone et al. 2017. PubMed ID: 28559085). An alternate substitution of this amino acid (p.Arg76Trp) has also been reported in individuals with retinal disease (Haider et al. 2000. PubMed ID: 10655056; Ge et al. 2015. PubMed ID: 26667666; Table S1, Stone et al. 2017. PubMed ID: 28559085). This variant is reported in 0.038% of alleles in individuals of European (Non-Finnish) descent in gnomAD. This variant is interpreted as pathogenic for autosomal recessive disease.

CeGaT Center for Human Genetics Tuebingen
Classification: Pathogenic. Last evaluated: 2026-04-01. Review status: criteria provided, single submitter. Criteria: CeGaT Center For Human Genetics Tuebingen Variant Classification Criteria Version 2. Collection method: clinical testing. Allele origin: germline. Affected: yes. Observed: 4 variant alleles.
Comment: NR2E3: PM3:Very Strong, PM2, PM5, PP1:Moderate, PS3:Supporting

Labcorp Genetics (formerly Invitae), Labcorp
Classification: Pathogenic. Last evaluated: 2025-12-22. Review status: criteria provided, single submitter. Criteria: Invitae Variant Classification Sherloc (09022015). Collection method: clinical testing. Allele origin: germline.
Comment: This sequence change replaces arginine, which is basic and polar, with glutamine, which is neutral and polar, at codon 76 of the NR2E3 protein (p.Arg76Gln). This variant is present in population databases (rs104894493, gnomAD 0.04%). This missense change has been observed in individuals with autosomal recessive retinal dystrophy (PMID: 30324420; internal data). It has also been observed to segregate with disease in related individuals. ClinVar contains an entry for this variant (Variation ID: 5530). Invitae Evidence Modeling of protein sequence and biophysical properties (such as structural, functional, and spatial information, amino acid conservation, physicochemical variation, residue mobility, and thermodynamic stability) indicates that this missense variant is not expected to disrupt NR2E3 protein function with a negative predictive value of 80%. Experimental studies have shown that this missense change affects NR2E3 function (PMID: 19823680, 19898638, 27013732). For these reasons, this variant has been classified as Pathogenic.

GeneDx
Classification: Pathogenic. Last evaluated: 2025-12-18. Review status: criteria provided, single submitter. Criteria: GeneDx Variant Classification Process June 2021. Collection method: clinical testing. Allele origin: germline. Affected: yes.
Comment: In silico analysis supports that this missense variant has a deleterious effect on protein structure/function; This variant is associated with the following publications: (PMID: 19823680, 19898638, 27013732, 28418496, 10655056, 30324420, 19718767, 34426522, 31980526, 32679203, 32531858, 28559085, 37222315, 38317096, 31964843, 37734845, 34321860, 38927702, 41153429, 38927562)

3billion
Classification: Pathogenic for ENHANCED S-CONE SYNDROME 1. Last evaluated: 2025-11-12. Review status: criteria provided, single submitter. Criteria: ACMG Guidelines, 2015. Collection method: clinical testing. Allele origin: germline. Affected: yes.
Comment: The variant is observed at an extremely low frequency in the gnomAD v4.1.0 dataset (total allele frequency: 0.031%). Predicted Consequence/Location: Missense variant In silico tool predictions suggest damaging effect of the variant on gene or gene product [3Cnet: 0.95 (> 0.75, sensitivity 0.96 and precision 0.92)]. The same nucleotide change resulting in the same amino acid change has been previously reported as pathogenic/likely pathogenic with strong evidence (ClinVar ID: VCV000005530 /PMID: 10655056 /3billion dataset). The variant has been reported to be in trans with a pathogenic variant as either compound heterozygous or homozygous in at least one similarly affected unrelated individual (PMID: 10655056). A different missense change at the same codon (p.Arg76Trp) has been reported as pathogenic/likely pathogenic with strong evidence (ClinVar ID: VCV000005529 /PMID: 10655056). Therefore, this variant is classified as Pathogenic according to the recommendation of ACMG/AMP guideline.

Natera, Inc.
Classification: Pathogenic for Enhanced S cone syndrome. Last evaluated: 2025-10-16. Review status: criteria provided, single submitter. Criteria: Natera Variant Classification Schema (03/2026). Collection method: clinical testing. Allele origin: germline.
Comment: The c.227G>A variant in NR2E3 is a missense variant predicted to cause substitution of arginine to glutamine at amino acid 76. This variant has been observed in one or more individuals affected with the associated recessive disease, as either homozygous or compound heterozygous with a second variant (PMID: 32679203). Additionally, this variant has been observed to segregate in affected family members (PMID: 28418496). Functional studies show that this variant may disrupt protein function (PMID: 19898638, 19823680). A different variant at the same position has been determined to be Pathogenic or Likely Pathogenic. Computational prediction algorithms indicate this variant is likely to affect gene or protein function. Given the available evidence, this variant is classified as Pathogenic.

Revvity Omics, Revvity
Classification: Pathogenic. Last evaluated: 2025-04-29. Review status: criteria provided, single submitter. Criteria: ACMG Guidelines, 2015. Collection method: clinical testing. Allele origin: germline.

Laboratory of Genetics, Children's Clinical University Hospital Latvia
Classification: Pathogenic. Last evaluated: 2025-02-16. Review status: criteria provided, single submitter. Criteria: ACMG Guidelines, 2015. Collection method: clinical testing. Allele origin: germline. Affected: yes.

Blueprint Genetics
Classification: Pathogenic for NR2E3-related disorders. Last evaluated: 2024-11-25. Review status: criteria provided, single submitter. Criteria: ACMG Guidelines, 2015. Collection method: clinical testing. Allele origin: germline. Affected: yes. Observed: 5 variant alleles.

Illumina Laboratory Services, Illumina
Classification: Pathogenic for NR2E3-related disorder. Last evaluated: 2024-09-05. Review status: criteria provided, single submitter. Criteria: ICSLVariantClassificationCriteria RUGD 01 April 2020. Collection method: clinical testing. Allele origin: unknown.

Fulgent Genetics
Classification: Pathogenic for ENHANCED S-CONE SYNDROME 1; Retinitis pigmentosa 37. Last evaluated: 2024-04-02. Review status: criteria provided, single submitter. Criteria: ACMG Guidelines, 2015. Collection method: clinical testing. Allele origin: germline.

Baylor Genetics
Classification: Pathogenic for ENHANCED S-CONE SYNDROME 1. Last evaluated: 2024-03-29. Review status: criteria provided, single submitter. Criteria: ACMG Guidelines, 2015. Collection method: clinical testing. Allele origin: unknown.

Department of Pathology and Laboratory Medicine, Sinai Health System
Classification: Pathogenic for ENHANCED S-CONE SYNDROME 1; Retinitis pigmentosa 37. Last evaluated: 2023-06-01. Review status: criteria provided, single submitter. Criteria: ACMG Guidelines, 2015. Collection method: research. Allele origin: germline.

Institute of Human Genetics, Univ. Regensburg, Univ. Regensburg
Classification: Pathogenic for Retinal dystrophy. Last evaluated: 2022-01-01. Review status: criteria provided, single submitter. Criteria: ACMG Guidelines, 2015. Collection method: clinical testing. Allele origin: germline. Affected: yes.

Genetics and Molecular Pathology, SA Pathology
Classification: Likely pathogenic for ENHANCED S-CONE SYNDROME 1. Last evaluated: 2021-02-03. Review status: criteria provided, single submitter. Criteria: ACMG Guidelines, 2015. Collection method: clinical testing. Allele origin: germline. Affected: yes.
Comment: PS3

Institute of Medical Genetics and Applied Genomics, University Hospital Tübingen
Classification: Pathogenic. Last evaluated: 2020-10-23. Review status: criteria provided, single submitter. Criteria: ACMG Guidelines, 2015. Collection method: clinical testing. Allele origin: germline. Inheritance: Autosomal unknown. Affected: yes.

NM_014249.4(NR2E3):c.227G>A (p.Arg76Gln)

Gene: NR2E3 (nuclear receptor subfamily 2 group E member 3; plus strand). Cytogenetic location: 15q23.
Variant type: single nucleotide variant.
Coding change: c.227G>A on transcript NM_014249.4 (MANE Select); coding-DNA position 227, G replaced by A.
Protein change: p.Arg76Gln; replaces arginine 76 with glutamine.
Molecular consequence: missense variant.
Genome position (GRCh38, 1-based): chr15:71,811,591, G>A. VCF-style: chr15-71811591-G-A. GRCh37 (hg19) VCF-style: chr15-72103931-G-A.
Other names: c.227G>A, p.Arg76Gln (NM_016346.4); short protein forms R76Q.
Identifiers: ClinVar variation 5530 (VCV000005530.87), dbSNP rs104894493, ClinGen allele CA117573.